The following is an entry in ClinVar:

NM_004304.5(ALK):c.4082T>C (p.Ile1361Thr)

Gene: ALK (ALK receptor tyrosine kinase; minus strand). Cytogenetic location: 2p23.2.
Variant type: single nucleotide variant.
Coding change: c.4082T>C on transcript NM_004304.5 (MANE Select); coding-DNA position 4082, T replaced by C.
Protein change: p.Ile1361Thr; replaces isoleucine 1361 with threonine.
Molecular consequence: missense variant.
Genome position (GRCh38, 1-based): chr2:29,196,852, A>G on the plus strand (T>C on the coding strand, the complement: ALK is on the minus strand). VCF-style: chr2-29196852-A-G. GRCh37 (hg19) VCF-style: chr2-29419718-A-G.
Other names: c.878T>C, p.Ile293Thr (NM_001353765.2); c.4082T>C (NM_004304.4); short protein forms I1361T, I293T.
Identifiers: ClinVar variation 1052870 (VCV001052870.10), dbSNP rs2148141969, ClinGen allele CA346465556.

ClinVar aggregate classification (germline): Uncertain significance. Review status: criteria provided, multiple submitters, no conflicts (2 of 4 stars). 2 submissions from 2 submitters: Uncertain significance (2). Last evaluated 2026-03-23.

Conditions:
Neuroblastoma, susceptibility to, 3. Also called: ALK-Related Neuroblastic Tumor Susceptibility. Identifiers: Orphanet 635, MedGen C2751681, MONDO:0013083, OMIM 613014.
Hereditary cancer-predisposing syndrome. Also called: Hereditary neoplastic syndrome; Neoplastic Syndromes, Hereditary; Tumor predisposition; Hereditary Cancer Syndrome. Identifiers: Orphanet 140162, MedGen C0027672, MeSH D009386, MONDO:0015356.

Submissions (2):

Ambry Genetics
Classification: Uncertain significance for Hereditary cancer-predisposing syndrome. Last evaluated: 2026-03-23. Review status: criteria provided, single submitter. Criteria: Ambry Variant Classification Scheme 2023. Collection method: clinical testing. Allele origin: germline.
Comment: The p.I1361T variant (also known as c.4082T>C), located in coding exon 28 of the ALK gene, results from a T to C substitution at nucleotide position 4082. The isoleucine at codon 1361 is replaced by threonine, an amino acid with similar properties. This amino acid position is conserved. In addition, this alteration is predicted to be deleterious by in silico analysis. Based on the available evidence, the clinical significance of this variant remains unclear.

Labcorp Genetics (formerly Invitae), Labcorp
Classification: Uncertain significance for Neuroblastoma, susceptibility to, 3. Last evaluated: 2018-03-13. Review status: criteria provided, single submitter. Criteria: Invitae Variant Classification Sherloc (09022015). Collection method: clinical testing. Allele origin: germline.
Comment: In summary, the available evidence is currently insufficient to determine the role of this variant in disease. Therefore, it has been classified as a Variant of Uncertain Significance. Algorithms developed to predict the effect of missense changes on protein structure and function do not agree on the potential impact of this missense change (SIFT: "Deleterious"; PolyPhen-2: "Probably Damaging"; Align-GVGD: "Class C0"). This variant has not been reported in the literature in individuals with ALK-related disease. This variant is not present in population databases (ExAC no frequency). This sequence change replaces isoleucine with threonine at codon 1361 of the ALK protein (p.Ile1361Thr). The isoleucine residue is highly conserved and there is a moderate physicochemical difference between isoleucine and threonine.